The following is an entry in ClinVar:

ClinVar aggregate classification (germline): Pathogenic (1 of 4 stars; one submission).

Allele frequency attached by ClinVar (database versions not stated): gnomAD exomes below 0.00001 and 0.00001; ExAC 0.00001.
gnomAD v4.1: 7 of 1,613,852 alleles (0.00043%); highest among the groups gnomAD compares: South Asian, 0.0044%; no homozygotes.

Submission:

Labcorp Genetics (formerly Invitae), Labcorp
Classification: Pathogenic. Last evaluated: 2023-01-04. Review status: criteria provided, single submitter. Criteria: Invitae Variant Classification Sherloc (09022015). Collection method: clinical testing. Allele origin: germline.
Comment: For these reasons, this variant has been classified as Pathogenic. ClinVar contains an entry for this variant (Variation ID: 841750). This variant has not been reported in the literature in individuals affected with LAMB3-related conditions. This variant is present in population databases (rs762234799, gnomAD 0.003%). This sequence change creates a premature translational stop signal (p.Gln73*) in the LAMB3 gene. It is expected to result in an absent or disrupted protein product. Loss-of-function variants in LAMB3 are known to be pathogenic (PMID: 11023379, 16473856).

Literature cited by the submitters: PubMed 11023379; PubMed 16473856.

NM_000228.3(LAMB3):c.217C>T (p.Gln73Ter)

Gene: LAMB3 (laminin subunit beta 3; minus strand). Cytogenetic location: 1q32.2.
Variant type: single nucleotide variant.
Coding change: c.217C>T on transcript NM_000228.3 (MANE Select); coding-DNA position 217, C replaced by T.
Protein change: p.Gln73Ter; replaces glutamine 73 with a stop codon.
Molecular consequence: nonsense.
Genome position (GRCh38, 1-based): chr1:209,638,615, G>A on the plus strand (C>T on the coding strand, the complement: LAMB3 is on the minus strand). VCF-style: chr1-209638615-G-A. GRCh37 (hg19) VCF-style: chr1-209811960-G-A.
Other names: c.217C>T, p.Gln73Ter (NM_001017402.2, NM_001127641.1); short protein forms Q73*.
Identifiers: ClinVar variation 841750 (VCV000841750.7), dbSNP rs762234799, ClinGen allele CA1376058.